The following is an entry in ClinVar:

ClinVar aggregate classification (germline): Uncertain significance. Review status: criteria provided, multiple submitters, no conflicts (2 of 4 stars). 2 submissions from 2 submitters: Uncertain significance (2). Last evaluated 2025-09-08.

Conditions:
Arrhythmogenic right ventricular dysplasia 10. Also called: Arrhythmogenic right ventricular dysplasia/cardiomyopathy, type 10; ARRHYTHMOGENIC RIGHT VENTRICULAR DYSPLASIA, FAMILIAL, 10; Arrhythmogenic Right Ventricular Dysplasia/Cardiomyopathy10. Identifiers: MedGen C1857777, MONDO:0012434, OMIM 610193.

Submissions (2):

Labcorp Genetics (formerly Invitae), Labcorp
Classification: Uncertain significance for Arrhythmogenic right ventricular dysplasia 10. Last evaluated: 2025-09-08. Review status: criteria provided, single submitter. Criteria: Invitae Variant Classification Sherloc (09022015). Collection method: clinical testing. Allele origin: germline.
Comment: This sequence change replaces asparagine, which is neutral and polar, with lysine, which is basic and polar, at codon 330 of the DSG2 protein (p.Asn330Lys). This variant is not present in population databases (gnomAD no frequency). This variant has not been reported in the literature in individuals affected with DSG2-related conditions. ClinVar contains an entry for this variant (Variation ID: 422687). Invitae Evidence Modeling of protein sequence and biophysical properties (such as structural, functional, and spatial information, amino acid conservation, physicochemical variation, residue mobility, and thermodynamic stability) has been performed for this missense variant. However, the output from this modeling did not meet the statistical confidence thresholds required to predict the impact of this variant on DSG2 protein function. In summary, the available evidence is currently insufficient to determine the role of this variant in disease. Therefore, it has been classified as a Variant of Uncertain Significance.

GeneDx
Classification: Uncertain significance. Last evaluated: 2016-11-10. Review status: criteria provided, single submitter. Criteria: GeneDx Variant Classification (06012015). Collection method: clinical testing. Allele origin: germline. Affected: yes.
Comment: A variant of uncertain significance has been identified in the DSG2 gene. The N330K variant has not been published as a pathogenic variant, nor has it been reported as a benign variant to our knowledge. This variant was not observed in approximately 6,000 individuals of European and African American ancestry in the NHLBI Exome Sequencing Project, indicating it is not a common benign variant in these populations. The N330K variant is a semi-conservative amino acid substitution, which may impact secondary protein structure as these residues differ in some properties. This substitution occurs at a position that is conserved across species, and in silico analysis predicts this variant is probably damaging to the protein structure/function. However, to our knowledge no studies have been performed to determine the functional effect of the N330K variant. Therefore, based on the currently available information, it is unclear whether this variant is pathogenic or benign.

NM_001943.5(DSG2):c.990C>G (p.Asn330Lys)

Gene: DSG2 (desmoglein 2; plus strand). Cytogenetic location: 18q12.1.
Variant type: single nucleotide variant.
Coding change: c.990C>G on transcript NM_001943.5 (MANE Select); coding-DNA position 990, C replaced by G.
Protein change: p.Asn330Lys; replaces asparagine 330 with lysine.
Molecular consequence: missense variant.
Genome position (GRCh38, 1-based): chr18:31,524,864, C>G. VCF-style: chr18-31524864-C-G. GRCh37 (hg19) VCF-style: chr18-29104827-C-G.
Other names: c.990C>G (LRG_397t1); short protein forms N330K.
Identifiers: ClinVar variation 422687 (VCV000422687.3), dbSNP rs140575919, ClinGen allele CA16620679.